The following is an entry in ClinVar:

ClinVar aggregate classification (germline): Uncertain significance (1 of 4 stars; one submission).

Submission:

Labcorp Genetics (formerly Invitae), Labcorp
Classification: Uncertain significance. Last evaluated: 2023-02-25. Review status: criteria provided, single submitter. Criteria: Invitae Variant Classification Sherloc (09022015). Collection method: clinical testing. Allele origin: germline.
Comment: Advanced modeling of protein sequence and biophysical properties (such as structural, functional, and spatial information, amino acid conservation, physicochemical variation, residue mobility, and thermodynamic stability) performed at Invitae indicates that this missense variant is not expected to disrupt WFS1 protein function. In summary, the available evidence is currently insufficient to determine the role of this variant in disease. Therefore, it has been classified as a Variant of Uncertain Significance. This variant has not been reported in the literature in individuals affected with WFS1-related conditions. This variant is not present in population databases (gnomAD no frequency). This sequence change replaces aspartic acid, which is acidic and polar, with glutamic acid, which is acidic and polar, at codon 245 of the WFS1 protein (p.Asp245Glu).

NM_006005.3(WFS1):c.735T>A (p.Asp245Glu)

Gene: WFS1 (wolframin ER transmembrane glycoprotein; plus strand). Cytogenetic location: 4p16.1.
Variant type: single nucleotide variant.
Coding change: c.735T>A on transcript NM_006005.3 (MANE Select); coding-DNA position 735, T replaced by A.
Protein change: p.Asp245Glu; replaces aspartic acid 245 with glutamic acid.
Molecular consequence: missense variant.
Genome position (GRCh38, 1-based): chr4:6,295,063, T>A. VCF-style: chr4-6295063-T-A. GRCh37 (hg19) VCF-style: chr4-6296790-T-A.
Other names: c.735T>A, p.Asp245Glu (NM_001145853.1); short protein forms D245E.
Identifiers: ClinVar variation 2837917 (VCV002837917.3), dbSNP rs754741776, ClinGen allele CA356172423.